The following is an entry in ClinVar:

ClinVar aggregate classification (germline): Uncertain significance. Review status: criteria provided, single submitter (1 of 4 stars). 2 submissions from 2 submitters: Uncertain significance (1). 1 of the submissions does not count toward it. Last evaluated 2024-11-04.

Conditions:
Abetalipoproteinaemia (ABL). Also called: Abetalipoproteinemia; Abetalipoproteinemia neuropathy; Apolipoprotein B deficiency; Congenital betalipoprotein deficiency syndrome; MTP DEFICIENCY. Identifiers: Orphanet 14, MedGen C0000744, MONDO:0008692, OMIM 200100, HP:0008181.

Allele frequency attached by ClinVar (database versions not stated): TOPMed below 0.00001; gnomAD 0.00001; gnomAD exomes 0.00001; ExAC 0.00002.
gnomAD v4.1: 5 of 1,613,820 alleles (0.00031%); highest among the groups gnomAD compares: Non-Finnish European, 0.00042%; no homozygotes.

Submissions (2):

Labcorp Genetics (formerly Invitae), Labcorp
Classification: Uncertain significance. Last evaluated: 2024-11-04. Review status: criteria provided, single submitter. Criteria: Invitae Variant Classification Sherloc (09022015). Collection method: clinical testing. Allele origin: germline.
Comment: This sequence change replaces glutamine, which is neutral and polar, with arginine, which is basic and polar, at codon 179 of the MTTP protein (p.Gln179Arg). This variant is present in population databases (rs746001155, gnomAD 0.002%). This variant has not been reported in the literature in individuals affected with MTTP-related conditions. ClinVar contains an entry for this variant (Variation ID: 842408). Invitae Evidence Modeling of protein sequence and biophysical properties (such as structural, functional, and spatial information, amino acid conservation, physicochemical variation, residue mobility, and thermodynamic stability) indicates that this missense variant is not expected to disrupt MTTP protein function with a negative predictive value of 80%. In summary, the available evidence is currently insufficient to determine the role of this variant in disease. Therefore, it has been classified as a Variant of Uncertain Significance.

Natera, Inc.
Classification: Uncertain significance for Abetalipoproteinemia. Last evaluated: 2020-09-16. Review status: no assertion criteria provided. Collection method: clinical testing. Allele origin: germline. Not counted in ClinVar's aggregate classification.

NM_001386140.1(MTTP):c.536A>G (p.Gln179Arg)

Gene: MTTP (microsomal triglyceride transfer protein; plus strand). Cytogenetic location: 4q23.
Variant type: single nucleotide variant.
Coding change: c.536A>G on transcript NM_001386140.1 (MANE Select); coding-DNA position 536, A replaced by G.
Protein change: p.Gln179Arg; replaces glutamine 179 with arginine.
Molecular consequence: missense variant.
Genome position (GRCh38, 1-based): chr4:99,591,269, A>G. VCF-style: chr4-99591269-A-G. GRCh37 (hg19) VCF-style: chr4-100512426-A-G.
Other names: c.536A>G, p.Gln179Arg (NM_000253.4); c.287A>G, p.Gln96Arg (NM_001300785.2); short protein forms Q179R, Q96R.
Identifiers: ClinVar variation 842408 (VCV000842408.7), dbSNP rs746001155, ClinGen allele CA3021879.